The following is an entry in ClinVar:

NM_153460.4(IL17RC):c.1049T>C (p.Val350Ala)

Gene: IL17RC (interleukin 17 receptor C; plus strand). Cytogenetic location: 3p25.3.
Variant type: single nucleotide variant.
Coding change: c.1049T>C on transcript NM_153460.4 (MANE Select); coding-DNA position 1049, T replaced by C.
Protein change: p.Val350Ala; replaces valine 350 with alanine.
Molecular consequence: missense variant. On other transcripts: non-coding transcript variant (1).
Genome position (GRCh38, 1-based): chr3:9,928,476, T>C. VCF-style: chr3-9928476-T-C. GRCh37 (hg19) VCF-style: chr3-9970160-T-C.
Other names: c.1049T>C, p.Val350Ala (NM_001203263.2, NM_001203264.2); c.1004T>C, p.Val335Ala (NM_001203265.2, NM_001367280.1, NM_032732.6); c.1010T>C, p.Val337Ala (NM_001367278.1); c.929T>C, p.Val310Ala (NM_001367279.1); c.1262T>C, p.Val421Ala (NM_153461.4); short protein forms V335A, V337A, V310A, V350A, V421A.
Identifiers: ClinVar variation 1491489 (VCV001491489.6), dbSNP rs2125253855, ClinGen allele CA351762164.

ClinVar aggregate classification (germline): Uncertain significance (1 of 4 stars; one submission).

Conditions:
Candidiasis, familial, 9 (CANDF9). Identifiers: Orphanet 1334, MedGen C4225324, MONDO:0014642, OMIM 616445.

Submission:

Labcorp Genetics (formerly Invitae), Labcorp
Classification: Uncertain significance for Candidiasis, familial, 9. Last evaluated: 2021-09-18. Review status: criteria provided, single submitter. Criteria: Invitae Variant Classification Sherloc (09022015). Collection method: clinical testing. Allele origin: germline.
Comment: This sequence change replaces valine with alanine at codon 421 of the IL17RC protein (p.Val421Ala). The valine residue is weakly conserved and there is a small physicochemical difference between valine and alanine. In summary, the available evidence is currently insufficient to determine the role of this variant in disease. Therefore, it has been classified as a Variant of Uncertain Significance. Algorithms developed to predict the effect of missense changes on protein structure and function (SIFT, PolyPhen-2, Align-GVGD) all suggest that this variant is likely to be tolerated. This variant has not been reported in the literature in individuals affected with IL17RC-related conditions. This variant is not present in population databases (ExAC no frequency).